The following is an entry in ClinVar:

ClinVar aggregate classification (germline): Uncertain significance (1 of 4 stars; one submission).

Conditions:
Holoprosencephaly 9 (HPE9). Also called: PITUITARY ANOMALIES WITH HOLOPROSENCEPHALY-LIKE FEATURES; HOLOPROSENCEPHALY WITH MICROPHTHALMIA AND FIRST BRANCHIAL ARCH ANOMALIES. Identifiers: Orphanet 2162, MedGen C1835819, MONDO:0012563, OMIM 610829.
Postaxial polydactyly-anterior pituitary anomalies-facial dysmorphism syndrome. Also called: Culler-Jones syndrome. Identifiers: Orphanet 420584, MedGen C4014479, MONDO:0014369, OMIM 615849.

gnomAD v4.1: 2 of 1,613,038 alleles (0.00012%); highest among the groups gnomAD compares: Non-Finnish European, 0.00017%; no homozygotes.

Submission:

Labcorp Genetics (formerly Invitae), Labcorp
Classification: Uncertain significance for Postaxial polydactyly-anterior pituitary anomalies-facial dysmorphism syndrome; Holoprosencephaly 9. Last evaluated: 2023-06-28. Review status: criteria provided, single submitter. Criteria: Invitae Variant Classification Sherloc (09022015). Collection method: clinical testing. Allele origin: germline.
Comment: In summary, the available evidence is currently insufficient to determine the role of this variant in disease. Therefore, it has been classified as a Variant of Uncertain Significance. Advanced modeling of protein sequence and biophysical properties (such as structural, functional, and spatial information, amino acid conservation, physicochemical variation, residue mobility, and thermodynamic stability) performed at Invitae indicates that this missense variant is not expected to disrupt GLI2 protein function. This variant has not been reported in the literature in individuals affected with GLI2-related conditions. This variant is not present in population databases (gnomAD no frequency). This sequence change replaces serine, which is neutral and polar, with glycine, which is neutral and non-polar, at codon 1075 of the GLI2 protein (p.Ser1075Gly).

NM_001374353.1(GLI2):c.3172A>G (p.Ser1058Gly)

Gene: GLI2 (GLI family zinc finger 2; plus strand). Cytogenetic location: 2q14.2.
Variant type: single nucleotide variant.
Coding change: c.3172A>G on transcript NM_001374353.1 (MANE Select); coding-DNA position 3172, A replaced by G.
Protein change: p.Ser1058Gly; replaces serine 1058 with glycine.
Molecular consequence: missense variant.
Genome position (GRCh38, 1-based): chr2:120,989,137, A>G. VCF-style: chr2-120989137-A-G. GRCh37 (hg19) VCF-style: chr2-121746713-A-G.
Other names: c.3223A>G, p.Ser1075Gly (NM_001371271.1, NM_005270.5); c.2797A>G, p.Ser933Gly (NM_001374354.1); short protein forms S1075G, S1058G, S933G.
Identifiers: ClinVar variation 2937467 (VCV002937467.3), dbSNP rs1683148020, ClinGen allele CA348172789.
Genomic context (GRCh38, chr2:120,989,137, plus strand): 5'-CTGCCGGAGGACGACCTGGTGCTTCCAGACGACGTGGTGCAGTACATCAAGGCGCACGCC[A>G]GTGGCGCTCTGGACGAGGGCACCGGGCAGGTGTATCCCACGGAAAGCACTGGCTTCTCTG-3'
Protein context (NP_001361282.1, residues 1048-1068): DVVQYIKAHA[Ser1058Gly]GALDEGTGQV